The following is an entry in ClinVar:

ClinVar aggregate classification (germline): Conflicting classifications of pathogenicity. Review status: criteria provided, conflicting classifications (1 of 4 stars). 3 submissions from 2 submitters: Pathogenic (1); Uncertain significance (2). Last evaluated 2019-03-15.

Conditions:
Transitory neonatal diabetes mellitus. Also called: Transient neonatal diabetes mellitus. Identifiers: MedGen C0342273, MONDO:0020525, HP:0008255.
Maturity-onset diabetes of the young (MODY). Also called: Maturity onset diabetes mellitus in young. Identifiers: Orphanet 552, MedGen C0342276, MONDO:0018911, HP:0004904.

Submissions (3):

Labcorp Genetics (formerly Invitae), Labcorp
Classification: Pathogenic. Last evaluated: 2019-03-15. Review status: criteria provided, single submitter. Criteria: Invitae Variant Classification Sherloc (09022015). Collection method: clinical testing. Allele origin: germline.
Comment: For these reasons, this variant has been classified as Pathogenic. Loss-of-function variants in ABCC8 are known to be pathogenic (PMID: 20685672, 23345197). This variant has not been reported in the literature in individuals with ABCC8-related conditions. This variant is not present in population databases (ExAC no frequency). This sequence change creates a premature translational stop signal (p.Asp760Trpfs*19) in the ABCC8 gene. It is expected to result in an absent or disrupted protein product.

Clinical Genomics, Uppaluri K&H Personalized Medicine Clinic
Classification: Uncertain significance for Maturity-onset diabetes of the young. Review status: criteria provided, single submitter. Criteria: K & H Uppaluri Personalized Medicine Clinic Variant Classification & Assertion Criteria_Updated V.1. Collection method: research. Allele origin: unknown. Inheritance: Somatic mutation.
Comment: Mutations in ABCC8 gene are associated with both neonatal diabetes mellitus as well as MODY. Patients with this mutation may have a better response to sulfonylureas. However, no sufficient evidence is found to ascertain the role of this particular variant ( rs1955018104) in MODY yet.

Clinical Genomics, Uppaluri K&H Personalized Medicine Clinic
Classification: Uncertain significance for Transitory neonatal diabetes mellitus. Review status: criteria provided, single submitter. Criteria: K & H Uppaluri Personalized Medicine Clinic Variant Classification & Assertion Criteria_Updated V.1. Collection method: research. Allele origin: unknown. Inheritance: Somatic mutation.
Comment: Mutations in ABCC8 gene are associated with both neonatal diabetes mellitus as well as MODY. Patients with this mutation may have a better response to sulfonylureas. However, no sufficient evidence is found to ascertain the role of this particular variant ( rs1955018104) in neonatal diabetes yet.

Literature cited by the submitters: PubMed 20685672 (cited by Labcorp Genetics (formerly Invitae), Labcorp); PubMed 23345197 (cited by Labcorp Genetics (formerly Invitae), Labcorp); PubMed 16885549 (cited by Clinical Genomics, Uppaluri K&H Personalized Medicine Clinic); PubMed 21989597 (cited by Clinical Genomics, Uppaluri K&H Personalized Medicine Clinic); PubMed 27538677 (cited by Clinical Genomics, Uppaluri K&H Personalized Medicine Clinic); PubMed 18981553 (cited by Clinical Genomics, Uppaluri K&H Personalized Medicine Clinic); PubMed 32027066 (cited by Clinical Genomics, Uppaluri K&H Personalized Medicine Clinic); PubMed 16613899 (cited by Clinical Genomics, Uppaluri K&H Personalized Medicine Clinic); PubMed 18025408 (cited by Clinical Genomics, Uppaluri K&H Personalized Medicine Clinic); PubMed 32792356 (cited by Clinical Genomics, Uppaluri K&H Personalized Medicine Clinic).

NM_000352.6(ABCC8):c.2277_2280del (p.Asp760fs)

Gene: ABCC8 (ATP binding cassette subfamily C member 8; minus strand). Cytogenetic location: 11p15.1.
Variant type: Microsatellite.
Coding change: c.2277_2280del on transcript NM_000352.6 (MANE Select); coding-DNA positions 2277 to 2280, 4 bases deleted (CGAC; older notation c.2277_2280delCGAC).
Protein change: p.Asp760fs; shifts the reading frame from aspartic acid 760.
Molecular consequence: frameshift variant. On other transcripts: non-coding transcript variant (1).
Genome position (GRCh38, 1-based): chr11:17,415,315-17,415,318, GTCG deleted on the plus strand (CGAC on the coding strand, the reverse complement: ABCC8 is on the minus strand); deleting any 4 consecutive bases within chr11:17,415,315-17,415,322 gives the same sequence; the c. name uses the placement nearest the transcript's 3' end. VCF-style (leftmost placement, unchanged base first): chr11-17415314-AGTCG-A. GRCh37 (hg19) VCF-style: chr11-17436861-AGTCG-A.
Other names: c.2280_2283del, p.Asp761fs (NM_001287174.3); c.2343_2346del, p.Asp782fs (NM_001351295.2); c.2277_2280del, p.Asp760fs (NM_001351296.2); c.2274_2277del, p.Asp759fs (NM_001351297.2); short protein forms D782fs, D759fs, D760fs, D761fs.
Identifiers: ClinVar variation 836622 (VCV000836622.8), dbSNP rs1955018104, ClinGen allele CA916083236.
Genomic context (GRCh38, chr11:17,415,314, plus strand): 5'-CACCCTGGAGGGAGTTGACCCTGGGGGGCAATGTTCCCAGGACGCAGTACCTGATATCCA[AGTCG>A]GTCGCTGTCTCCCGCTCTGGGCTGCAGCAGGGGAGGAAAGGCATACTGAGCTCTCATGGG-3'